The following is an entry in ClinVar:

NM_004463.3(FGD1):c.14G>T (p.Arg5Leu)

Gene: FGD1 (FYVE, RhoGEF and PH domain containing 1; minus strand). Cytogenetic location: Xp11.22.
Variant type: single nucleotide variant.
Coding change: c.14G>T on transcript NM_004463.3 (MANE Select); coding-DNA position 14, G replaced by T.
Protein change: p.Arg5Leu; replaces arginine 5 with leucine.
Molecular consequence: missense variant.
Genome position (GRCh38, 1-based): chrX:54,495,419, C>A on the plus strand (G>T on the coding strand, the complement: FGD1 is on the minus strand). VCF-style: chrX-54495419-C-A. GRCh37 (hg19) VCF-style: chrX-54521852-C-A.
Other names: short protein forms R5L.
Identifiers: ClinVar variation 3677708 (VCV003677708.3).

ClinVar aggregate classification (germline): Uncertain significance. Review status: criteria provided, multiple submitters, no conflicts (2 of 4 stars). 2 submissions from 2 submitters: Uncertain significance (2). Last evaluated 2024-07-23.

gnomAD v4.1: 11 of 1,089,068 alleles (0.001%); highest among the groups gnomAD compares: South Asian, 0.012%; no homozygotes.

Submissions (2):

Labcorp Genetics (formerly Invitae), Labcorp
Classification: Uncertain significance. Last evaluated: 2024-07-23. Review status: criteria provided, single submitter. Criteria: Invitae Variant Classification Sherloc (09022015). Collection method: clinical testing. Allele origin: germline.
Comment: This sequence change replaces arginine, which is basic and polar, with leucine, which is neutral and non-polar, at codon 5 of the FGD1 protein (p.Arg5Leu). This variant is present in population databases (no rsID available, gnomAD 0.05%). This variant has not been reported in the literature in individuals affected with FGD1-related conditions. Advanced modeling of protein sequence and biophysical properties (such as structural, functional, and spatial information, amino acid conservation, physicochemical variation, residue mobility, and thermodynamic stability) performed at Invitae indicates that this missense variant is expected to disrupt FGD1 protein function with a positive predictive value of 80%. In summary, the available evidence is currently insufficient to determine the role of this variant in disease. Therefore, it has been classified as a Variant of Uncertain Significance.

Blueprint Genetics
Classification: Uncertain significance. Last evaluated: 2019-06-20. Review status: criteria provided, single submitter. Criteria: ACMG Guidelines, 2015. Collection method: clinical testing. Allele origin: germline.